The following is an entry in ClinVar:

NM_006303.4(AIMP2):c.126C>G (p.Gly42=)

Genes: AIMP2 (aminoacyl tRNA synthetase complex interacting multifunctional protein 2; plus strand), LOC129997917 (ATAC-STARR-seq lymphoblastoid silent region 17931; plus strand). Cytogenetic location: 7p22.1.
Variant type: single nucleotide variant.
Coding change: c.126C>G on transcript NM_006303.4 (MANE Select); coding-DNA position 126, C replaced by G.
Protein change: p.Gly42=; no amino-acid change (glycine 42 retained).
Molecular consequence: synonymous variant. On other transcripts: 5 prime UTR variant (1), intron variant (3).
Genome position (GRCh38, 1-based): chr7:6,009,489, C>G. VCF-style: chr7-6009489-C-G. GRCh37 (hg19) VCF-style: chr7-6049120-C-G.
Other names: c.126C>G, p.Gly42= (NM_001326607.2); c.-195C>G (NM_001326609.2); c.-238+111C>G (NM_001326611.3); c.-251+111C>G (NM_001326610.2); c.15+111C>G (NM_001326606.2).
Identifiers: ClinVar variation 3037163 (VCV003037163.2), dbSNP rs1448273730, ClinGen allele CA453651302.

ClinVar aggregate classification (germline): Likely benign (0 of 4 stars; one submission).

Conditions:
AIMP2-related disorder. Also called: AIMP2-related condition.

Submission:

PreventionGenetics, part of Exact Sciences
Classification: Likely benign for AIMP2-related condition. Last evaluated: 2020-02-06. Review status: no assertion criteria provided. Collection method: clinical testing. Allele origin: germline.
Comment: This variant is classified as likely benign based on ACMG/AMP sequence variant interpretation guidelines (Richards et al. 2015 PMID: 25741868, with internal and published modifications).